The following is an entry in ClinVar:

NM_017757.3(ZNF407):c.3776C>T (p.Ser1259Leu)

Gene: ZNF407 (zinc finger protein 407; plus strand). Cytogenetic location: 18q22.3.
Variant type: single nucleotide variant.
Coding change: c.3776C>T on transcript NM_017757.3 (MANE Select); coding-DNA position 3776, C replaced by T.
Protein change: p.Ser1259Leu; replaces serine 1259 with leucine.
Molecular consequence: missense variant.
Genome position (GRCh38, 1-based): chr18:74,634,795, C>T. VCF-style: chr18-74634795-C-T. GRCh37 (hg19) VCF-style: chr18-72346751-C-T.
Other names: c.3776C>T, p.Ser1259Leu (NM_001146189.1, NM_001146190.1, NM_001384475.1); short protein forms S1259L.
Identifiers: ClinVar variation 718303 (VCV000718303.14), dbSNP rs34048449, ClinGen allele CA9000754.

ClinVar aggregate classification (germline): Benign/Likely benign. Review status: criteria provided, multiple submitters, no conflicts (2 of 4 stars). 4 submissions from 4 submitters: Benign (2); Likely benign (1). 1 of the submissions does not count toward it. Last evaluated 2026-09-01.

Conditions:
ZNF407-related disorder. Also called: ZNF407-related condition.

Allele frequency attached by ClinVar (database versions not stated): TOPMed 0.00537; 1000 Genomes Project 0.00759; 1000 Genomes Project 30x 0.00796; gnomAD exomes 0.00184; ExAC 0.00193; ESP Exome Variant Server 0.00496; gnomAD 0.00500 and 0.00533.
gnomAD v4.1: 2,187 of 1,613,944 alleles (0.14%); highest among the groups gnomAD compares: African/African-American, 1.5%; 4 homozygotes.

Submissions (4):

CeGaT Center for Human Genetics Tuebingen
Classification: Likely benign. Last evaluated: 2026-09-01. Review status: criteria provided, single submitter. Criteria: CeGaT Center For Human Genetics Tuebingen Variant Classification Criteria Version 2. Collection method: clinical testing. Allele origin: germline. Affected: yes. Observed: 2 variant alleles.
Comment: ZNF407: BP4, BS1

Labcorp Genetics (formerly Invitae), Labcorp
Classification: Benign. Last evaluated: 2019-12-31. Review status: criteria provided, single submitter. Criteria: Invitae Variant Classification Sherloc (09022015). Collection method: clinical testing. Allele origin: germline.

Breakthrough Genomics
Classification: Benign. Review status: criteria provided, single submitter. Criteria: ACMG Guidelines, 2015. Collection method: not provided. Allele origin: germline. Inheritance: Autosomal recessive inheritance. Affected: yes.

PreventionGenetics, part of Exact Sciences
Classification: Benign for ZNF407-related condition. Last evaluated: 2019-05-01. Review status: no assertion criteria provided. Collection method: clinical testing. Allele origin: germline. Not counted in ClinVar's aggregate classification.
Comment: This variant is classified as benign based on ACMG/AMP sequence variant interpretation guidelines (Richards et al. 2015 PMID: 25741868, with internal and published modifications).